The following is an entry in ClinVar:

ClinVar aggregate classification (germline): Uncertain significance (1 of 4 stars; one submission).

Submission:

GeneDx
Classification: Uncertain significance. Last evaluated: 2024-01-31. Review status: criteria provided, single submitter. Criteria: GeneDx Variant Classification Process June 2021. Collection method: clinical testing. Allele origin: germline. Affected: yes.
Comment: Not observed at significant frequency in large population cohorts (gnomAD); In silico analysis supports that this missense variant has a deleterious effect on protein structure/function; In silico analysis supports a deleterious effect on splicing; Has not been previously published as pathogenic or benign to our knowledge

NM_017617.5(NOTCH1):c.6074A>G (p.Asp2025Gly)

Genes: NOTCH1 (notch receptor 1; minus strand), LOC126860794 (BRD4-independent group 4 enhancer GRCh37_chr9:139392592-139393791; plus strand). Cytogenetic location: 9q34.3.
Variant type: single nucleotide variant.
Coding change: c.6074A>G on transcript NM_017617.5 (MANE Select); coding-DNA position 6074, A replaced by G.
Protein change: p.Asp2025Gly; replaces aspartic acid 2025 with glycine.
Molecular consequence: missense variant.
Genome position (GRCh38, 1-based): chr9:136,499,120, T>C on the plus strand (A>G on the coding strand, the complement: NOTCH1 is on the minus strand). VCF-style: chr9-136499120-T-C. GRCh37 (hg19) VCF-style: chr9-139393572-T-C.
Other names: short protein forms D2025G.
Identifiers: ClinVar variation 3368499 (VCV003368499.1).
Genomic context (GRCh38, chr9:136,499,120, plus strand): 5'-CCCTGTGGCGGTCCCGCCCCACGACAGAGCAGCCGTGCCCCCGTGGGCTCACCCAGGTCA[T>C]CTACGGCGTTGACGTCGGCGTGTGAGTTGATGAGGTCCTCCAGCATGCCCTCCACGGCCA-3'
Protein context (NP_060087.3, residues 2015-2035): INSHADVNAV[Asp2025Gly]DLGKSALHWA